The following is an entry in ClinVar:

NM_001276270.2(MBD4):c.1465G>C (p.Asp489His)

Gene: MBD4 (methyl-CpG binding domain 4, DNA glycosylase; minus strand). Cytogenetic location: 3q21.3.
Variant type: single nucleotide variant.
Coding change: c.1465G>C on transcript NM_001276270.2 (MANE Select); coding-DNA position 1465, G replaced by C.
Protein change: p.Asp489His; replaces aspartic acid 489 with histidine.
Molecular consequence: missense variant.
Genome position (GRCh38, 1-based): chr3:129,433,176, C>G on the plus strand (G>C on the coding strand, the complement: MBD4 is on the minus strand). VCF-style: chr3-129433176-C-G. GRCh37 (hg19) VCF-style: chr3-129152019-C-G.
Other names: c.1483G>C, p.Asp495His (NM_001276271.2, NM_001276272.2, NM_003925.3); c.529G>C, p.Asp177His (NM_001276273.2); short protein forms D177H, D489H, D495H.
Identifiers: ClinVar variation 3870915 (VCV003870915.1).
Genomic context (GRCh38, chr3:129,433,176, plus strand): 5'-TTTTTGCCCGAAGATCGTAGAGACCAAGAGGTTTAAGAAGTTCTGACACATCTCTCCAGT[C>G]TGCGGTTCTTGCTACCTCAGCTGAAGGATACTTCTCCAGAAACTTCCAAAGCACAGGTAT-3'
Protein context (NP_001263199.1, residues 479-499): YPSAEVARTA[Asp489His]WRDVSELLKP

ClinVar aggregate classification (germline): Uncertain significance (1 of 4 stars; one submission).

Conditions:
Inborn genetic diseases. Identifiers: MedGen C0950123, MeSH D030342.

gnomAD v4.1: 2 of 1,614,184 alleles (0.00012%); highest among the groups gnomAD compares: Non-Finnish European, 0.00017%; no homozygotes.

Submission:

Ambry Genetics
Classification: Uncertain significance for Inborn genetic diseases. Last evaluated: 2025-01-27. Review status: criteria provided, single submitter. Criteria: Ambry Variant Classification Scheme 2023. Collection method: clinical testing. Allele origin: germline.
Comment: The p.D489H variant (also known as c.1465G>C), located in coding exon 6 of the MBD4 gene, results from a G to C substitution at nucleotide position 1465. The aspartic acid at codon 489 is replaced by histidine, an amino acid with similar properties. This amino acid position is conserved. In addition, the in silico prediction for this alteration is inconclusive. Based on the available evidence, the clinical significance of this variant remains unclear.